The following is an entry in ClinVar:

ClinVar aggregate classification (germline): Uncertain significance (1 of 4 stars; one submission).

Allele frequency attached by ClinVar (database versions not stated): gnomAD exomes below 0.00001.
gnomAD v4.1: 1 of 1,613,820 alleles (0.000062%); highest among the groups gnomAD compares: Non-Finnish European, 0.000085%; no homozygotes.

Submission:

Centre of Medical Genetics, University Hospital Muenster
Classification: Uncertain significance. Last evaluated: 2022-10-25. Review status: criteria provided, single submitter. Criteria: ACMG Guidelines, 2015. Collection method: clinical testing. Allele origin: unknown. Affected: yes. Observed: 1 variant allele, 1 heterozygote.
Comment: ACMG categories: PM2,PP3

NM_017934.7(PHIP):c.2180A>T (p.Glu727Val)

Gene: PHIP (PHIP subunit of CUL4-Ring ligase complex; minus strand). Cytogenetic location: 6q14.1.
Variant type: single nucleotide variant.
Coding change: c.2180A>T on transcript NM_017934.7 (MANE Select); coding-DNA position 2180, A replaced by T.
Protein change: p.Glu727Val; replaces glutamic acid 727 with valine.
Molecular consequence: missense variant.
Genome position (GRCh38, 1-based): chr6:78,997,435, T>A on the plus strand (A>T on the coding strand, the complement: PHIP is on the minus strand). VCF-style: chr6-78997435-T-A. GRCh37 (hg19) VCF-style: chr6-79707152-T-A.
Other names: short protein forms E727V.
Identifiers: ClinVar variation 2430343 (VCV002430343.2), dbSNP rs1337758901, ClinGen allele CA364630006.
Genomic context (GRCh38, chr6:78,997,435, plus strand): 5'-AAGGAACTATGGTACATAAAAATTCACAACTTCCCTTACCTGGCTACACCAGCTGATAGC[T>A]CGGGTACTACCACCCTTCGACTCCAAGCTACCAGATCCCGCTCTGTGGCTATTTCACTTC-3'
Protein context (NP_060404.4, residues 717-737): VAWSRRVVVP[Glu727Val]LSAGVASRQE